The following is an entry in ClinVar:

NM_000361.3(THBD):c.963C>G (p.His321Gln)

Gene: THBD (thrombomodulin; minus strand). Cytogenetic location: 20p11.21.
Variant type: single nucleotide variant.
Coding change: c.963C>G on transcript NM_000361.3 (MANE Select); coding-DNA position 963, C replaced by G.
Protein change: p.His321Gln; replaces histidine 321 with glutamine.
Molecular consequence: missense variant.
Genome position (GRCh38, 1-based): chr20:23,048,542, G>C on the plus strand (C>G on the coding strand, the complement: THBD is on the minus strand). VCF-style: chr20-23048542-G-C. GRCh37 (hg19) VCF-style: chr20-23029179-G-C.
Other names: short protein forms H321Q.
Identifiers: ClinVar variation 3236003 (VCV003236003.1), dbSNP rs754163197, ClinGen allele CA9787652.
Genomic context (GRCh38, chr20:23,048,542, plus strand): 5'-GACACAGCGCTGCGGACACGGACTGGGCTCCAGTATGCAGTCATCCACGTCCTCGCACCG[G>C]TGTTGGTCGGCCGCCAGCCGGTAGCCGGTCTCGCACATGCACGAGTAGGAGCCCGGCTGG-3'
Protein context (NP_000352.1, residues 311-331): ETGYRLAADQ[His321Gln]RCEDVDDCIL

ClinVar aggregate classification (germline): Uncertain significance (1 of 4 stars; one submission).

Conditions:
Atypical hemolytic-uremic syndrome with thrombomodulin anomaly. Also called: HEMOLYTIC UREMIC SYNDROME, ATYPICAL, SUSCEPTIBILITY TO, 6; AHUS, SUSCEPTIBILITY TO, 6. Identifiers: MedGen C2752036, MONDO:0013044, OMIM 612926. Disease mechanism: gain of function.

Allele frequency attached by ClinVar (database versions not stated): ExAC 0.00001.
gnomAD v4.1: 10 of 1,600,626 alleles (0.00062%); highest among the groups gnomAD compares: South Asian, 0.011%; no homozygotes.

Submission:

MVZ Medizinische Genetik Mainz
Classification: Uncertain significance for Atypical hemolytic-uremic syndrome with thrombomodulin anomaly. Last evaluated: 2023-11-16. Review status: criteria provided, single submitter. Criteria: UK Practice Guidelines For Variant Classification V4 01 2020. Collection method: clinical testing. Allele origin: germline. Inheritance: Autosomal dominant inheritance. Affected: yes. Observed: 1 variant allele.
Comment: ACMG Criteria: PM2_SUP